The following is an entry in ClinVar:

ClinVar aggregate classification (germline): Likely benign. Review status: criteria provided, multiple submitters, no conflicts (2 of 4 stars). 2 submissions from 2 submitters: Likely benign (2). Last evaluated 2025-09-01.

Conditions:
Nemaline myopathy 6 (NEM6). Also called: Nemaline myopathy 6, autosomal dominant. Identifiers: Orphanet 171439, MedGen C1836472, MONDO:0012237, OMIM 609273.

Allele frequency attached by ClinVar (database versions not stated): gnomAD below 0.00001 and 0.00003; TOPMed 0.00001; 1000 Genomes Project 30x 0.00047; ExAC 0.00057; 1000 Genomes Project 0.00060.
gnomAD v4.1: 79 of 1,509,674 alleles (0.0052%); highest among the groups gnomAD compares: South Asian, 0.091%; 2 homozygotes.

Submissions (2):

Labcorp Genetics (formerly Invitae), Labcorp
Classification: Likely benign for Nemaline myopathy 6. Last evaluated: 2025-09-01. Review status: criteria provided, single submitter. Criteria: Invitae Variant Classification Sherloc (09022015). Collection method: clinical testing. Allele origin: germline.

Illumina Laboratory Services, Illumina
Classification: Likely benign for Nemaline myopathy 6. Last evaluated: 2018-01-12. Review status: criteria provided, single submitter. Criteria: ICSL Variant Classification Criteria 13 December 2019. Collection method: clinical testing. Allele origin: germline.
Comment: This variant was observed in the ICSL laboratory as part of a predisposition screen in an ostensibly healthy population. It had not been previously curated by ICSL or reported in the Human Gene Mutation Database (HGMD: prior to June 1st, 2018), and was therefore a candidate for classification through an automated scoring system. Utilizing variant allele frequency, disease prevalence and penetrance estimates, and inheritance mode, an automated score was calculated to assess if this variant is too frequent to cause the disease. Based on the score and internal cut-off values, a variant classified as likely benign is not then subjected to further curation. The score for this variant resulted in a classification of likely benign for this disease.

NM_001101362.3(KBTBD13):c.342C>A (p.Ala114=)

Gene: KBTBD13 (kelch repeat and BTB domain containing 13; plus strand). Cytogenetic location: 15q22.31.
Variant type: single nucleotide variant.
Coding change: c.342C>A on transcript NM_001101362.3 (MANE Select); coding-DNA position 342, C replaced by A.
Protein change: p.Ala114=; no amino-acid change (alanine 114 retained).
Molecular consequence: synonymous variant.
Genome position (GRCh38, 1-based): chr15:65,077,157, C>A. VCF-style: chr15-65077157-C-A. GRCh37 (hg19) VCF-style: chr15-65369495-C-A.
Identifiers: ClinVar variation 887337 (VCV000887337.12), dbSNP rs538410855, ClinGen allele CA7613926.